The following is an entry in ClinVar:

NM_000260.4(MYO7A):c.1798-7_1800delinsATCGGCTGCT

Gene: MYO7A (myosin VIIA; plus strand). Cytogenetic location: 11q13.5.
Variant type: Indel.
Coding change: c.1798-7_1800delinsATCGGCTGCT on transcript NM_000260.4 (MANE Select); 7 bases into the intron before coding-DNA position 1798 through coding-DNA position 1800, CCCCCAGGGC replaced by ATCGGCTGCT.
Molecular consequence: splice acceptor variant.
Genome position (GRCh38, 1-based): chr11:77,172,741-77,172,750, CCCCCAGGGC replaced by ATCGGCTGCT. VCF-style: chr11-77172741-CCCCCAGGGC-ATCGGCTGCT. GRCh37 (hg19) VCF-style: chr11-76883787-CCCCCAGGGC-ATCGGCTGCT.
Other names: c.1765-7_1767delinsATCGGCTGCT (NM_001369365.1); c.1798-7_1800delinsATCGGCTGCT (NM_001127180.2); c.1798-7_1800delCCCCCAGGGCinsATCGGCTGCT (NM_000260.3, NM_000260.4).
Identifiers: ClinVar variation 929939 (VCV000929939.14), dbSNP rs1954226902, ClinGen allele CA1139662098.

ClinVar aggregate classification (germline): Pathogenic/Likely pathogenic. Review status: criteria provided, multiple submitters, no conflicts (2 of 4 stars). 6 submissions from 6 submitters: Pathogenic (1); Likely pathogenic (5). Last evaluated 2026-04-30.

Conditions:
Usher syndrome. Also called: Usher Syndromes; Usher's syndrome. Identifiers: Orphanet 886, MedGen CN469326, MeSH D052245, MONDO:0019501. Disease mechanism: loss of function.
Usher syndrome type 1B (USH1B). Also called: Usher syndrome type IB. Identifiers: MedGen C1848638, MONDO:0700087.
Usher syndrome type 1 (USH1). Also called: RETINITIS PIGMENTOSA AND CONGENITAL DEAFNESS. Identifiers: Orphanet 231169, Orphanet 886, MedGen C1568247, MONDO:0010168, OMIM 276900.
Autosomal recessive nonsyndromic hearing loss 2. Also called: NEUROSENSORY NONSYNDROMIC RECESSIVE DEAFNESS 2; DEAFNESS, AUTOSOMAL RECESSIVE 2. Identifiers: Orphanet 90636, MedGen C1838701, MONDO:0010807, OMIM 600060.
Autosomal dominant nonsyndromic hearing loss 11. Identifiers: Orphanet 90635, MedGen C1832475, MONDO:0011032, OMIM 601317.

Submissions (6):

Laboratory of Molecular, Cellular and Translation Genetics in Otolaryngology/ Lim32-hcfmusp, University of Sao Paulo School of Medicine Clinics Hospital
Classification: Likely pathogenic for Usher syndrome type 1. Last evaluated: 2026-04-30. Review status: criteria provided, single submitter. Criteria: ClinGen HL ACMG Specifications v1. Collection method: research. Allele origin: germline. Affected: yes.
Comment: NM_000260.4;c.1798-7_1800delinsATCGGCTGCT This variant has been classified as likely pathogenic, as it is predicted to result in loss of function in MYO7A, a gene in which this is an established disease mechanism (PVS1_moderate). It is rare in population databases (PM2) and has been previously reported in association with Usher syndrome (PS4_supporting).

Natera, Inc.
Classification: Likely pathogenic for Usher syndrome type 1B. Last evaluated: 2025-02-18. Review status: criteria provided, single submitter. Criteria: Natera Variant Classification Schema (03/2026). Collection method: clinical testing. Allele origin: germline.
Comment: The c.1798-7_1800delCCCCCAGGGCinsATCGGCTGCT variant in MYO7A is a deletion-insertion (delins) variant predicted to replace one or more nucleotides with a different sequence. This variant is expected to result in nonsense mediated decay, truncation, or a dysfunctional protein product. This variant is rare in the general population with a frequency below the threshold expected for the associated phenotype(s). Given the available evidence, this variant is classified as Likely Pathogenic.

Fulgent Genetics
Classification: Likely pathogenic for Usher syndrome type 1; Autosomal recessive nonsyndromic hearing loss 2; Autosomal dominant nonsyndromic hearing loss 11. Last evaluated: 2024-04-15. Review status: criteria provided, single submitter. Criteria: ACMG Guidelines, 2015. Collection method: clinical testing. Allele origin: germline.

Labcorp Genetics (formerly Invitae), Labcorp
Classification: Likely pathogenic. Last evaluated: 2023-10-13. Review status: criteria provided, single submitter. Criteria: Invitae Variant Classification Sherloc (09022015). Collection method: clinical testing. Allele origin: germline.
Comment: This sequence change affects a splice site in intron 15 of the MYO7A gene. It is expected to disrupt RNA splicing. Variants that disrupt the donor or acceptor splice site typically lead to a loss of protein function (PMID: 16199547), and loss-of-function variants in MYO7A are known to be pathogenic (PMID: 8900236, 25404053). This variant is not present in population databases (gnomAD no frequency). Disruption of this splice site has been observed in individual(s) with bilateral sensorineural hearing loss (external communication). Algorithms developed to predict the effect of sequence changes on RNA splicing suggest that this variant may disrupt the consensus splice site. In summary, the currently available evidence indicates that the variant is pathogenic, but additional data are needed to prove that conclusively. Therefore, this variant has been classified as Likely Pathogenic.

DBGen Ocular Genomics
Classification: Pathogenic for Usher syndrome type 1. Last evaluated: 2021-06-18. Review status: criteria provided, single submitter. Criteria: ACMG Guidelines, 2015. Collection method: clinical testing. Allele origin: germline. Affected: yes. Observed: 1 variant allele.

Laboratory for Molecular Medicine, Mass General Brigham Personalized Medicine
Classification: Likely pathogenic for Usher syndrome. Last evaluated: 2019-07-31. Review status: criteria provided, single submitter. Criteria: LMM Criteria. Collection method: clinical testing. Allele origin: germline. Inheritance: Autosomal recessive inheritance. Observed: 1 variant allele.
Comment: The c.1798-7_1800delinsATCGGCTGCT variant in MYO7A has not been previously reported in individuals with Usher syndrome or hearing loss, and was absent from large population studies. This deletion impacts the 3' splice site, and while the exact impact is unknown, it is predicted to cause altered splicing, which would lead to an abnormal or absent protein. Loss of function of the MYO7A gene is an established disease mechanism in autosomal recessive Usher syndrome. In summary, although additional studies are required to fully establish its clinical significance, this variant meets criteria to be classified as likely pathogenic for autosomal recessive Usher syndrome. ACMG/AMP Criteria applied: PVS1_Strong, PM2

Literature cited by the submitters: PubMed 42233699 (cited by Laboratory of Molecular, Cellular and Translation Genetics in Otolaryngology/ Lim32-hcfmusp, University of Sao Paulo School of Medicine Clinics Hospital); PubMed 16199547 (cited by Labcorp Genetics (formerly Invitae), Labcorp); PubMed 8900236 (cited by Labcorp Genetics (formerly Invitae), Labcorp); PubMed 25404053 (cited by Labcorp Genetics (formerly Invitae), Labcorp).